The following is an entry in ClinVar:

NM_022121.5(PERP):c.112del (p.Ser38fs)

Gene: PERP (p53 apoptosis effector related to PMP22; minus strand). Cytogenetic location: 6q23.3.
Variant type: Deletion.
Coding change: c.112del on transcript NM_022121.5 (MANE Select); coding-DNA position 112, one base deleted (T; older notation c.112delT).
Protein change: p.Ser38fs; shifts the reading frame from serine 38.
Molecular consequence: frameshift variant.
Genome position (GRCh38, 1-based): chr6:138,107,229, A deleted on the plus strand (T on the coding strand, the reverse complement: PERP is on the minus strand). VCF-style (leftmost placement, unchanged base first): chr6-138107228-GA-G. GRCh37 (hg19) VCF-style: chr6-138428365-GA-G.
Other names: c.112del (NM_022121.4); short protein forms S38fs.
Identifiers: ClinVar variation 997851 (VCV000997851.2), dbSNP rs769404975, ClinGen allele CA4019999.

ClinVar aggregate classification (germline): Pathogenic. Review status: criteria provided, single submitter (1 of 4 stars). 2 submissions from 2 submitters: Pathogenic (1). 1 of the submissions does not count toward it. Last evaluated 2022-11-22.

Conditions:
Erythrokeratodermia variabilis et progressiva 7. Identifiers: MedGen C5543106, MONDO:0030941, OMIM 619209.

Allele frequency attached by ClinVar (database versions not stated): gnomAD 0.00001; TOPMed 0.00001; ExAC 0.00001; gnomAD exomes 0.00001.

Submissions (2):

GeneDx
Classification: Pathogenic. Last evaluated: 2022-11-22. Review status: criteria provided, single submitter. Criteria: GeneDx Variant Classification Process June 2021. Collection method: clinical testing. Allele origin: germline. Affected: yes.
Comment: Frameshift variant predicted to result in protein truncation or nonsense mediated decay in a gene for which loss of function is a known mechanism of disease; This variant is associated with the following publications: (PMID: 30321533)

OMIM
Classification: Pathogenic for ERYTHROKERATODERMIA VARIABILIS ET PROGRESSIVA 7. Last evaluated: 2021-02-25. Review status: no assertion criteria provided. Collection method: literature only. Allele origin: germline. Not counted in ClinVar's aggregate classification.

Literature cited by the submitters: PubMed 30321533 (cited by OMIM).